The following is an entry in ClinVar:

NM_000143.4(FH):c.1061G>A (p.Gly354Glu)

Gene: FH (fumarate hydratase; minus strand). Cytogenetic location: 1q43.
Variant type: single nucleotide variant.
Coding change: c.1061G>A on transcript NM_000143.4 (MANE Select); coding-DNA position 1061, G replaced by A.
Protein change: p.Gly354Glu; replaces glycine 354 with glutamic acid.
Molecular consequence: missense variant.
Genome position (GRCh38, 1-based): chr1:241,504,089, C>T on the plus strand (G>A on the coding strand, the complement: FH is on the minus strand). VCF-style: chr1-241504089-C-T. GRCh37 (hg19) VCF-style: chr1-241667389-C-T.
Other names: short protein forms G354E.
Identifiers: ClinVar variation 388641 (VCV000388641.6), dbSNP rs1057523184, ClinGen allele CA16603671.

ClinVar aggregate classification (germline): Uncertain significance. Review status: criteria provided, multiple submitters, no conflicts (2 of 4 stars). 3 submissions from 3 submitters: Uncertain significance (3). Last evaluated 2024-02-28.

Conditions:
Hereditary cancer-predisposing syndrome. Also called: Hereditary Cancer Syndrome; Hereditary neoplastic syndrome; Neoplastic Syndromes, Hereditary; Tumor predisposition. Identifiers: Orphanet 140162, MedGen C0027672, MeSH D009386, MONDO:0015356.

Submissions (3):

Ambry Genetics
Classification: Uncertain significance for Hereditary cancer-predisposing syndrome. Last evaluated: 2024-02-28. Review status: criteria provided, single submitter. Criteria: Ambry Variant Classification Scheme 2023. Collection method: clinical testing. Allele origin: germline.
Comment: The p.G354E variant (also known as c.1061G>A), located in coding exon 7 of the FH gene, results from a G to A substitution at nucleotide position 1061. The glycine at codon 354 is replaced by glutamic acid, an amino acid with similar properties. This amino acid position is highly conserved in available vertebrate species. In addition, this alteration is predicted to be deleterious by in silico analysis. Since supporting evidence is limited at this time, the clinical significance of this alteration remains unclear.

Labcorp Genetics (formerly Invitae), Labcorp
Classification: Uncertain significance. Last evaluated: 2022-06-09. Review status: criteria provided, single submitter. Criteria: Invitae Variant Classification Sherloc (09022015). Collection method: clinical testing. Allele origin: germline.
Comment: This sequence change replaces glycine, which is neutral and non-polar, with glutamic acid, which is acidic and polar, at codon 354 of the FH protein (p.Gly354Glu). This variant is not present in population databases (gnomAD no frequency). This variant has not been reported in the literature in individuals affected with FH-related conditions. ClinVar contains an entry for this variant (Variation ID: 388641). Advanced modeling of protein sequence and biophysical properties (such as structural, functional, and spatial information, amino acid conservation, physicochemical variation, residue mobility, and thermodynamic stability) performed at Invitae indicates that this missense variant is expected to disrupt FH protein function. In summary, the available evidence is currently insufficient to determine the role of this variant in disease. Therefore, it has been classified as a Variant of Uncertain Significance.

GeneDx
Classification: Uncertain significance. Last evaluated: 2016-08-31. Review status: criteria provided, single submitter. Criteria: GeneDx Variant Classification (06012015). Collection method: clinical testing. Allele origin: germline. Affected: yes.
Comment: A variant of uncertain significance has been identified in the FH gene. The G354E variant has not been published as a pathogenic variant, nor has it been reported as a benign variant to our knowledge. The G354E variant was not observed in approximately 6500 individuals of European and African American ancestry in the NHLBI Exome Sequencing Project, indicating it is not a common benign variant in these populations. The G354E variant is a non-conservative amino acid substitution, which is likely to impact secondary protein structure as these residues differ in polarity, charge, size and/or other properties. This substitution occurs at a position that is conserved across species. In silico analysis predicts this variant is probably damaging to the protein structure/function. In summary, based on the currently available information, it is unclear whether this variant is a pathogenic variant or a rare benign variant.